The following is an entry in ClinVar:

NM_004946.3(DOCK2):c.3683G>A (p.Arg1228His)

Gene: DOCK2 (dedicator of cytokinesis 2; plus strand). Cytogenetic location: 5q35.1.
Variant type: single nucleotide variant.
Coding change: c.3683G>A on transcript NM_004946.3 (MANE Select); coding-DNA position 3683, G replaced by A.
Protein change: p.Arg1228His; replaces arginine 1228 with histidine.
Molecular consequence: missense variant. On other transcripts: non-coding transcript variant (1).
Genome position (GRCh38, 1-based): chr5:170,041,072, G>A. VCF-style: chr5-170041072-G-A. GRCh37 (hg19) VCF-style: chr5-169468076-G-A.
Other names: c.3683G>A, p.Arg1228His (LRG_1227t1); short protein forms R1228H.
Identifiers: ClinVar variation 583294 (VCV000583294.4), dbSNP rs139600790, ClinGen allele CA3554303.

ClinVar aggregate classification (germline): Uncertain significance (1 of 4 stars; one submission).

Conditions:
DOCK2 deficiency. Also called: Immunodeficiency 40. Identifiers: Orphanet 447737, MedGen C4225328, MONDO:0014637, OMIM 616433.

Allele frequency attached by ClinVar (database versions not stated): ExAC 0.00002; gnomAD exomes 0.00002; gnomAD 0.00005; TOPMed 0.00005; ESP Exome Variant Server 0.00015.
gnomAD v4.1: 34 of 1,613,862 alleles (0.0021%); highest among the groups gnomAD compares: African/African-American, 0.0053%; no homozygotes.

Submission:

Labcorp Genetics (formerly Invitae), Labcorp
Classification: Uncertain significance for DOCK2 deficiency. Last evaluated: 2022-06-04. Review status: criteria provided, single submitter. Criteria: Invitae Variant Classification Sherloc (09022015). Collection method: clinical testing. Allele origin: germline.
Comment: This sequence change replaces arginine, which is basic and polar, with histidine, which is basic and polar, at codon 1228 of the DOCK2 protein (p.Arg1228His). This variant is present in population databases (rs139600790, gnomAD 0.004%). This variant has not been reported in the literature in individuals affected with DOCK2-related conditions. ClinVar contains an entry for this variant (Variation ID: 583294). Algorithms developed to predict the effect of missense changes on protein structure and function (SIFT, PolyPhen-2, Align-GVGD) all suggest that this variant is likely to be tolerated. In summary, the available evidence is currently insufficient to determine the role of this variant in disease. Therefore, it has been classified as a Variant of Uncertain Significance.